The following is an entry in ClinVar:

NM_001928.4(CFD):c.77T>G (p.Ile26Ser)

Gene: CFD (complement factor D; plus strand). Cytogenetic location: 19p13.3.
Variant type: single nucleotide variant.
Coding change: c.77T>G on transcript NM_001928.4 (MANE Select); coding-DNA position 77, T replaced by G.
Protein change: p.Ile26Ser; replaces isoleucine 26 with serine.
Molecular consequence: missense variant.
Genome position (GRCh38, 1-based): chr19:860,638, T>G. VCF-style: chr19-860638-T-G. GRCh37 (hg19) VCF-style: chr19-860638-T-G.
Other names: c.98T>G, p.Ile33Ser (NM_001317335.2); short protein forms I26S, I33S.
Identifiers: ClinVar variation 2047249 (VCV002047249.4), dbSNP rs2512175880, ClinGen allele CA402920555.
Genomic context (GRCh38, chr19:860,638, plus strand): 5'-AGTCCACCCCGCGGCCCTCACGCGCCCGCCCACCCACAGCGGCGCCGCCCCGTGGTCGGA[T>G]CCTGGGCGGCAGAGAGGCCGAGGCGCACGCGCGGCCCTACATGGCGTCGGTGCAGCTGAA-3'
Protein context (NP_001919.2, residues 16-36): AACAAPPRGR[Ile26Ser]LGGREAEAHA

ClinVar aggregate classification (germline): Uncertain significance (1 of 4 stars; one submission).

Submission:

Labcorp Genetics (formerly Invitae), Labcorp
Classification: Uncertain significance. Last evaluated: 2022-12-06. Review status: criteria provided, single submitter. Criteria: Invitae Variant Classification Sherloc (09022015). Collection method: clinical testing. Allele origin: germline.
Comment: This variant has not been reported in the literature in individuals affected with CFD-related conditions. This variant is not present in population databases (gnomAD no frequency). This sequence change replaces isoleucine, which is neutral and non-polar, with serine, which is neutral and polar, at codon 26 of the CFD protein (p.Ile26Ser). In summary, the available evidence is currently insufficient to determine the role of this variant in disease. Therefore, it has been classified as a Variant of Uncertain Significance. Algorithms developed to predict the effect of missense changes on protein structure and function are either unavailable or do not agree on the potential impact of this missense change (SIFT: "Not Available"; PolyPhen-2: "Probably Damaging"; Align-GVGD: "Not Available").